The following is an entry in ClinVar:

ClinVar aggregate classification (germline): Likely pathogenic (1 of 4 stars; one submission).

Conditions:
Ellis-van Creveld syndrome (EVC). Also called: EVC-Related Ellis-van Creveld Syndrome; EVC2-Related Ellis-van Creveld Syndrome; MESOECTODERMAL DYSPLASIA; Chondroectodermal dysplasia. Identifiers: Orphanet 289, MedGen C0013903, MONDO:0009162, OMIM 225500.

Submission:

Myriad Genetics, Inc.
Classification: Likely pathogenic for Ellis-van Creveld syndrome. Last evaluated: 2022-03-11. Review status: criteria provided, single submitter. Criteria: Myriad Women's Health Autosomal Recessive and X-Linked Classification Criteria (2021). Collection method: clinical testing. Allele origin: unknown.
Comment: NM_147127.4(EVC2):c.636_637delCAinsT(T213Pfs*65) is expected to be pathogenic in the context of EVC2-related Ellis-van Creveld syndrome. This variant is predicted to lead to an abnormal or absent protein product due to the creation of a premature termination codon in EVC2, a gene where loss-of-function variants are known to be pathogenic. Please note: this variant was assessed in the context of healthy population screening.

NM_147127.5(EVC2):c.636_637delinsT (p.Thr213fs)

Gene: EVC2 (EvC ciliary complex subunit 2; minus strand). Cytogenetic location: 4p16.2.
Variant type: Indel.
Coding change: c.636_637delinsT on transcript NM_147127.5 (MANE Select); coding-DNA positions 636 to 637, CA replaced by T.
Protein change: p.Thr213fs; shifts the reading frame from threonine 213.
Molecular consequence: frameshift variant.
Genome position (GRCh38, 1-based): chr4:5,689,226-5,689,227, TG replaced by A on the plus strand (CA replaced by T on the coding strand, the reverse complement: EVC2 is on the minus strand). VCF-style: chr4-5689226-TG-A. GRCh37 (hg19) VCF-style: chr4-5690953-TG-A.
Other names: c.396_397delinsT, p.Thr133fs (NM_001166136.2); short protein forms T133fs, T213fs.
Identifiers: ClinVar variation 1725164 (VCV001725164.2), dbSNP rs2475591015, ClinGen allele CA2580070775.
Genomic context (GRCh38, chr4:5,689,226, plus strand): 5'-ACTTCTTGCTAAAAGCCTGGAATCCTTCCGAGGTCCTGTTTCCCACAGAGTCCCAAATGG[TG>A]AGACCAGCAATGCTGTCCAGCAAGAGCAGCTCCGAGAGGTTGGCTGACGAGGTTGTCTTG-3'